The following is an entry in ClinVar:

ClinVar aggregate classification (germline): Uncertain significance. Review status: criteria provided, single submitter (1 of 4 stars). 2 submissions from 2 submitters: Uncertain significance (1). 1 of the submissions does not count toward it. Last evaluated 2022-04-12.

Conditions:
Familial hemophagocytic lymphohistiocytosis 2 (FHL2). Also called: PRF1-Related Familial Hemophagocytic Lymphohistiocytosis (PRF1-fHLH). Identifiers: Orphanet 540, MedGen C1863727, MONDO:0011337, OMIM 603553.
PRF1-related disorder. Also called: PRF1-related condition.

Allele frequency attached by ClinVar (database versions not stated): ExAC 0.00001; gnomAD 0.00001; gnomAD exomes 0.00001; TOPMed 0.00001.
gnomAD v4.1: 20 of 1,614,094 alleles (0.0012%); highest among the groups gnomAD compares: East Asian, 0.0045%; no homozygotes.

Submissions (2):

Labcorp Genetics (formerly Invitae), Labcorp
Classification: Uncertain significance for Familial hemophagocytic lymphohistiocytosis 2. Last evaluated: 2022-04-12. Review status: criteria provided, single submitter. Criteria: Invitae Variant Classification Sherloc (09022015). Collection method: clinical testing. Allele origin: germline.
Comment: This sequence change replaces arginine, which is basic and polar, with glutamine, which is neutral and polar, at codon 297 of the PRF1 protein (p.Arg297Gln). This variant is present in population databases (rs752189303, gnomAD 0.006%). This variant has not been reported in the literature in individuals affected with PRF1-related conditions. Algorithms developed to predict the effect of missense changes on protein structure and function output the following: SIFT: "Tolerated"; PolyPhen-2: "Benign"; Align-GVGD: "Class C0". The glutamine amino acid residue is found in multiple mammalian species, which suggests that this missense change does not adversely affect protein function. Algorithms developed to predict the effect of sequence changes on RNA splicing suggest that this variant may create or strengthen a splice site. In summary, the available evidence is currently insufficient to determine the role of this variant in disease. Therefore, it has been classified as a Variant of Uncertain Significance.

PreventionGenetics, part of Exact Sciences
Classification: Uncertain significance for PRF1-related condition. Last evaluated: 2024-01-03. Review status: no assertion criteria provided. Collection method: clinical testing. Allele origin: germline. Not counted in ClinVar's aggregate classification.
Comment: The PRF1 c.890G>A variant is predicted to result in the amino acid substitution p.Arg297Gln. To our knowledge, this variant has not been reported in the literature. This variant is reported in 0.0054% of alleles in individuals of East Asian descent in gnomAD. At this time, the clinical significance of this variant is uncertain due to the absence of conclusive functional and genetic evidence.

NM_001083116.3(PRF1):c.890G>A (p.Arg297Gln)

Gene: PRF1 (perforin 1; minus strand). Cytogenetic location: 10q22.1.
Variant type: single nucleotide variant.
Coding change: c.890G>A on transcript NM_001083116.3 (MANE Select); coding-DNA position 890, G replaced by A.
Protein change: p.Arg297Gln; replaces arginine 297 with glutamine.
Molecular consequence: missense variant.
Genome position (GRCh38, 1-based): chr10:70,598,831, C>T on the plus strand (G>A on the coding strand, the complement: PRF1 is on the minus strand). VCF-style: chr10-70598831-C-T. GRCh37 (hg19) VCF-style: chr10-72358587-C-T.
Other names: c.890G>A, p.Arg297Gln (NM_005041.6); short protein forms R297Q.
Identifiers: ClinVar variation 2167629 (VCV002167629.3), dbSNP rs752189303, ClinGen allele CA5538892.